The following is an entry in ClinVar:

NM_001374828.1(ARID1B):c.4993A>G (p.Thr1665Ala)

Gene: ARID1B (AT-rich interaction domain 1B; plus strand). Cytogenetic location: 6q25.3.
Variant type: single nucleotide variant.
Coding change: c.4993A>G on transcript NM_001374828.1 (MANE Select); coding-DNA position 4993, A replaced by G.
Protein change: p.Thr1665Ala; replaces threonine 1665 with alanine.
Molecular consequence: missense variant.
Genome position (GRCh38, 1-based): chr6:157,201,218, A>G. VCF-style: chr6-157201218-A-G. GRCh37 (hg19) VCF-style: chr6-157522352-A-G.
Other names: c.2494A>G, p.Thr832Ala (NM_001363725.2); c.4873A>G, p.Thr1625Ala (NM_001371656.1, NM_001374820.1); c.4834A>G, p.Thr1612Ala (NM_017519.3); c.4624A>G (NM_020732.3); short protein forms T1612A, T1625A, T1665A, T832A.
Identifiers: ClinVar variation 3367320 (VCV003367320.1).

ClinVar aggregate classification (germline): Uncertain significance (1 of 4 stars; one submission).

gnomAD v4.1: 1 of 1,613,612 alleles (0.000062%); highest among the groups gnomAD compares: African/African-American, 0.0013%; no homozygotes.

Submission:

GeneDx
Classification: Uncertain significance. Last evaluated: 2023-12-26. Review status: criteria provided, single submitter. Criteria: GeneDx Variant Classification Process June 2021. Collection method: clinical testing. Allele origin: germline. Affected: yes.
Comment: Not observed at significant frequency in large population cohorts (gnomAD); Has not been previously published as pathogenic or benign to our knowledge; In silico analysis is inconclusive as to whether the variant alters gene splicing. In the absence of RNA/functional studies, the actual effect of this sequence change is unknown.